The following is an entry in ClinVar:

ClinVar aggregate classification (germline): Conflicting classifications of pathogenicity. Review status: criteria provided, conflicting classifications (1 of 4 stars). 2 submissions from 2 submitters: Uncertain significance (1); Likely benign (1). Last evaluated 2025-12-05.

Conditions:
Hereditary cancer-predisposing syndrome. Also called: Hereditary Cancer Syndrome; Tumor predisposition; Neoplastic Syndromes, Hereditary; Hereditary neoplastic syndrome. Identifiers: Orphanet 140162, MedGen C0027672, MeSH D009386, MONDO:0015356.
Oligodontia-cancer predisposition syndrome. Also called: TOOTH AGENESIS-COLORECTAL CANCER SYNDROME. Identifiers: Orphanet 300576, MedGen C1837750, MONDO:0012075, OMIM 608615. Disease mechanism: loss of function.

Allele frequency attached by ClinVar (database versions not stated): ExAC 0.00001; gnomAD exomes 0.00001.
gnomAD v4.1: 5 of 1,613,736 alleles (0.00031%); highest among the groups gnomAD compares: South Asian, 0.0055%; no homozygotes.

Submissions (2):

Labcorp Genetics (formerly Invitae), Labcorp
Classification: Uncertain significance for Oligodontia-cancer predisposition syndrome. Last evaluated: 2025-12-05. Review status: criteria provided, single submitter. Criteria: Invitae Variant Classification Sherloc (09022015). Collection method: clinical testing. Allele origin: germline.
Comment: This sequence change replaces histidine, which is basic and polar, with tyrosine, which is neutral and polar, at codon 669 of the AXIN2 protein (p.His669Tyr). This variant is present in population databases (rs749487037, gnomAD 0.01%). This variant has not been reported in the literature in individuals affected with AXIN2-related conditions. ClinVar contains an entry for this variant (Variation ID: 1016219). Invitae Evidence Modeling of protein sequence and biophysical properties (such as structural, functional, and spatial information, amino acid conservation, physicochemical variation, residue mobility, and thermodynamic stability) has been performed for this missense variant. However, the output from this modeling did not meet the statistical confidence thresholds required to predict the impact of this variant on AXIN2 protein function. In summary, the available evidence is currently insufficient to determine the role of this variant in disease. Therefore, it has been classified as a Variant of Uncertain Significance.

Ambry Genetics
Classification: Likely benign for Hereditary cancer-predisposing syndrome. Last evaluated: 2025-02-20. Review status: criteria provided, single submitter. Criteria: Ambry Variant Classification Scheme 2023. Collection method: clinical testing. Allele origin: germline.

NM_004655.4(AXIN2):c.2005C>T (p.His669Tyr)

Gene: AXIN2 (axin 2; minus strand). Cytogenetic location: 17q24.1.
Variant type: single nucleotide variant.
Coding change: c.2005C>T on transcript NM_004655.4 (MANE Select); coding-DNA position 2005, C replaced by T.
Protein change: p.His669Tyr; replaces histidine 669 with tyrosine.
Molecular consequence: missense variant.
Genome position (GRCh38, 1-based): chr17:65,536,456, G>A on the plus strand (C>T on the coding strand, the complement: AXIN2 is on the minus strand). VCF-style: chr17-65536456-G-A. GRCh37 (hg19) VCF-style: chr17-63532574-G-A.
Other names: c.1810C>T, p.His604Tyr (NM_001363813.1); c.2005C>T (NM_004655.3); short protein forms H604Y, H669Y.
Identifiers: ClinVar variation 1016219 (VCV001016219.9), dbSNP rs749487037, ClinGen allele CA8718435.